The following is an entry in ClinVar:

ClinVar aggregate classification (germline): Uncertain significance (1 of 4 stars; one submission).

Conditions:
Primary ciliary dyskinesia. Also called: Ciliary dyskinesia. Identifiers: Orphanet 244, MedGen C0008780, MONDO:0016575, HP:0012265.

Allele frequency attached by ClinVar (database versions not stated): gnomAD 0.00001; gnomAD exomes 0.00002.
gnomAD v4.1: 32 of 1,612,560 alleles (0.002%); highest among the groups gnomAD compares: East Asian, 0.0022%; no homozygotes.

Submission:

Labcorp Genetics (formerly Invitae), Labcorp
Classification: Uncertain significance for Primary ciliary dyskinesia. Last evaluated: 2022-09-19. Review status: criteria provided, single submitter. Criteria: Invitae Variant Classification Sherloc (09022015). Collection method: clinical testing. Allele origin: germline.
Comment: This sequence change replaces arginine, which is basic and polar, with tryptophan, which is neutral and slightly polar, at codon 4158 of the DNAH11 protein (p.Arg4158Trp). This variant is present in population databases (no rsID available, gnomAD 0.006%). This variant has not been reported in the literature in individuals affected with DNAH11-related conditions. Advanced modeling of protein sequence and biophysical properties (such as structural, functional, and spatial information, amino acid conservation, physicochemical variation, residue mobility, and thermodynamic stability) performed at Invitae indicates that this missense variant is not expected to disrupt DNAH11 protein function. In summary, the available evidence is currently insufficient to determine the role of this variant in disease. Therefore, it has been classified as a Variant of Uncertain Significance.

NM_001277115.2(DNAH11):c.12472C>T (p.Arg4158Trp)

Gene: DNAH11 (dynein axonemal heavy chain 11; plus strand). Cytogenetic location: 7p15.3.
Variant type: single nucleotide variant.
Coding change: c.12472C>T on transcript NM_001277115.2 (MANE Select); coding-DNA position 12472, C replaced by T.
Protein change: p.Arg4158Trp; replaces arginine 4158 with tryptophan.
Molecular consequence: missense variant.
Genome position (GRCh38, 1-based): chr7:21,884,375, C>T. VCF-style: chr7-21884375-C-T. GRCh37 (hg19) VCF-style: chr7-21923993-C-T.
Other names: c.12493C>T, p.Arg4165Trp (NM_003777.3); short protein forms R4165W, R4158W.
Identifiers: ClinVar variation 2197070 (VCV002197070.1), dbSNP rs1351456737, ClinGen allele CA366964620.